The following is an entry in ClinVar:

NM_014918.5(CHSY1):c.1267A>G (p.Arg423Gly)

Gene: CHSY1 (chondroitin sulfate synthase 1; minus strand). Cytogenetic location: 15q26.3.
Variant type: single nucleotide variant.
Coding change: c.1267A>G on transcript NM_014918.5 (MANE Select); coding-DNA position 1267, A replaced by G.
Protein change: p.Arg423Gly; replaces arginine 423 with glycine.
Molecular consequence: missense variant.
Genome position (GRCh38, 1-based): chr15:101,178,530, T>C on the plus strand (A>G on the coding strand, the complement: CHSY1 is on the minus strand). VCF-style: chr15-101178530-T-C. GRCh37 (hg19) VCF-style: chr15-101718735-T-C.
Other names: c.1267A>G (NM_014918.4); short protein forms R423G.
Identifiers: ClinVar variation 1007272 (VCV001007272.9), dbSNP rs370806474, ClinGen allele CA7762566.

ClinVar aggregate classification (germline): Uncertain significance. Review status: criteria provided, multiple submitters, no conflicts (2 of 4 stars). 2 submissions from 2 submitters: Uncertain significance (2). Last evaluated 2025-05-07.

Conditions:
Inborn genetic diseases. Identifiers: MedGen C0950123, MeSH D030342.
Temtamy preaxial brachydactyly syndrome (TPBS). Identifiers: Orphanet 363417, MedGen C1854466, MONDO:0011533, OMIM 605282.

Allele frequency attached by ClinVar (database versions not stated): gnomAD exomes below 0.00001 and 0.00002; ExAC 0.00001; TOPMed 0.00001; ESP Exome Variant Server 0.00008.
gnomAD v4.1: 27 of 1,614,270 alleles (0.0017%); highest among the groups gnomAD compares: Non-Finnish European, 0.0021%; no homozygotes.

Submissions (2):

Ambry Genetics
Classification: Uncertain significance for Inborn genetic diseases. Last evaluated: 2025-05-07. Review status: criteria provided, single submitter. Criteria: Ambry Variant Classification Scheme 2023. Collection method: clinical testing. Allele origin: germline.

Labcorp Genetics (formerly Invitae), Labcorp
Classification: Uncertain significance for Temtamy preaxial brachydactyly syndrome. Last evaluated: 2020-10-01. Review status: criteria provided, single submitter. Criteria: Invitae Variant Classification Sherloc (09022015). Collection method: clinical testing. Allele origin: germline.
Comment: In summary, the available evidence is currently insufficient to determine the role of this variant in disease. Therefore, it has been classified as a Variant of Uncertain Significance. Algorithms developed to predict the effect of missense changes on protein structure and function are either unavailable or do not agree on the potential impact of this missense change (SIFT: "Deleterious"; PolyPhen-2: "Probably Damaging"; Align-GVGD: "Class C0"). This sequence change replaces arginine with glycine at codon 423 of the CHSY1 protein (p.Arg423Gly). The arginine residue is highly conserved and there is a moderate physicochemical difference between arginine and glycine. This variant is present in population databases (rs370806474, ExAC 0.001%). This variant has not been reported in the literature in individuals with CHSY1-related conditions.